The following is an entry in ClinVar:

NM_020549.5(CHAT):c.92T>A (p.Val31Glu)

Gene: CHAT (choline O-acetyltransferase; plus strand). Cytogenetic location: 10q11.23.
Variant type: single nucleotide variant.
Coding change: c.92T>A on transcript NM_020549.5 (MANE Select); coding-DNA position 92, T replaced by A.
Protein change: p.Val31Glu; replaces valine 31 with glutamic acid.
Molecular consequence: missense variant. On other transcripts: 5 prime UTR variant (3), intron variant (3).
Genome position (GRCh38, 1-based): chr10:49,614,281, T>A. VCF-style: chr10-49614281-T-A. GRCh37 (hg19) VCF-style: chr10-50822327-T-A.
Other names: c.-263T>A (NM_001142929.2); c.-225T>A (NM_001142933.2); c.-333T>A (NM_001142934.2); c.-68-2221T>A (NM_020984.4); c.-240-23T>A (NM_020985.4); c.-69+1079T>A (NM_020986.4); short protein forms V31E.
Identifiers: ClinVar variation 935587 (VCV000935587.8), dbSNP rs1016283273, ClinGen allele CA206622848.

ClinVar aggregate classification (germline): Uncertain significance. Review status: criteria provided, multiple submitters, no conflicts (2 of 4 stars). 2 submissions from 2 submitters: Uncertain significance (2). Last evaluated 2022-03-18.

Conditions:
Familial infantile myasthenia (CMS6). Also called: Congenital myasthenic syndrome type 6; MYASTHENIC SYNDROME, PRESYNAPTIC, CONGENITAL, ASSOCIATED WITH EPISODIC APNEA; MYASTHENIC SYNDROME, CONGENITAL, 6, PRESYNAPTIC. Identifiers: Orphanet 590, MedGen C0393929, MONDO:0009689, OMIM 254210.

Allele frequency attached by ClinVar (database versions not stated): TOPMed 0.00007.
gnomAD v4.1: 13 of 1,547,638 alleles (0.00084%); highest among the groups gnomAD compares: African/African-American, 0.018%; no homozygotes.

Submissions (2):

Labcorp Genetics (formerly Invitae), Labcorp
Classification: Uncertain significance for Familial infantile myasthenia. Last evaluated: 2022-03-18. Review status: criteria provided, single submitter. Criteria: Invitae Variant Classification Sherloc (09022015). Collection method: clinical testing. Allele origin: germline.
Comment: This sequence change replaces valine, which is neutral and non-polar, with glutamic acid, which is acidic and polar, at codon 31 of the CHAT protein (p.Val31Glu). This variant is present in population databases (no rsID available, gnomAD 0.02%). This variant has not been reported in the literature in individuals affected with CHAT-related conditions. ClinVar contains an entry for this variant (Variation ID: 935587). Advanced modeling of protein sequence and biophysical properties (such as structural, functional, and spatial information, amino acid conservation, physicochemical variation, residue mobility, and thermodynamic stability) performed at Invitae indicates that this missense variant is not expected to disrupt CHAT protein function. In summary, the available evidence is currently insufficient to determine the role of this variant in disease. Therefore, it has been classified as a Variant of Uncertain Significance.

Blueprint Genetics
Classification: Uncertain significance. Last evaluated: 2020-04-17. Review status: criteria provided, single submitter. Criteria: ACMG Guidelines, 2015. Collection method: clinical testing. Allele origin: germline.